The following is an entry in ClinVar:

NM_015046.7(SETX):c.4222A>G (p.Ser1408Gly)

Gene: SETX (senataxin; minus strand). Cytogenetic location: 9q34.13.
Variant type: single nucleotide variant.
Coding change: c.4222A>G on transcript NM_015046.7 (MANE Select); coding-DNA position 4222, A replaced by G.
Protein change: p.Ser1408Gly; replaces serine 1408 with glycine.
Molecular consequence: missense variant.
Genome position (GRCh38, 1-based): chr9:132,327,376, T>C on the plus strand (A>G on the coding strand, the complement: SETX is on the minus strand). VCF-style: chr9-132327376-T-C. GRCh37 (hg19) VCF-style: chr9-135202763-T-C.
Other names: c.4222A>G, p.Ser1408Gly (NM_001351527.2, NM_001351528.2); short protein forms S1408G.
Identifiers: ClinVar variation 1980845 (VCV001980845.5), dbSNP rs1048817192, ClinGen allele CA200807217.

ClinVar aggregate classification (germline): Conflicting classifications of pathogenicity. Review status: criteria provided, conflicting classifications (1 of 4 stars). 2 submissions from 2 submitters: Uncertain significance (1); Benign (1). Last evaluated 2025-05-02.

Conditions:
Spinocerebellar ataxia, autosomal recessive, with axonal neuropathy 2 (SCAN2). Also called: Ataxia with Oculomotor Apraxia Type 2; ATAXIA-OCULOMOTOR APRAXIA 2; Ataxia with Oculomotor Apraxia; Ataxia-ocular apraxia-2. Identifiers: Orphanet 64753, MedGen C1853761, MONDO:0018996, OMIM 606002.
Amyotrophic lateral sclerosis type 4 (ALS4). Also called: NEURONOPATHY, DISTAL HEREDITARY MOTOR, WITH PYRAMIDAL FEATURES; AMYOTROPHIC LATERAL SCLEROSIS 4, JUVENILE. Identifiers: Orphanet 357043, MedGen C1865409, MONDO:0011223, OMIM 602433.
SETX-related disorder. Also called: SETX-related condition; SETX-related disorders. Identifiers: MedGen CN239403.

Allele frequency attached by ClinVar (database versions not stated): gnomAD 0.00001.
gnomAD v4.1: 3 of 1,614,150 alleles (0.00019%); highest among the groups gnomAD compares: African/African-American, 0.0027%; no homozygotes.

Submissions (2):

PreventionGenetics, part of Exact Sciences
Classification: Uncertain significance for SETX-related condition. Last evaluated: 2025-05-02. Review status: criteria provided, single submitter. Criteria: ACMG Guidelines, 2015. Collection method: clinical testing. Allele origin: germline.
Comment: The SETX c.4222A>G variant is predicted to result in the amino acid substitution p.Ser1408Gly. To our knowledge, this variant has not been reported in the literature. This variant is reported in 0.0062% of alleles in individuals of African descent in gnomAD. At this time, the clinical significance of this variant is uncertain due to the absence of conclusive functional and genetic evidence.

Labcorp Genetics (formerly Invitae), Labcorp
Classification: Benign for Amyotrophic lateral sclerosis type 4; Spinocerebellar ataxia, autosomal recessive, with axonal neuropathy 2. Last evaluated: 2022-10-10. Review status: criteria provided, single submitter. Criteria: Invitae Variant Classification Sherloc (09022015). Collection method: clinical testing. Allele origin: germline.